The following is an entry in ClinVar:

ClinVar aggregate classification (germline): Uncertain significance. Review status: criteria provided, multiple submitters, no conflicts (2 of 4 stars). 3 submissions from 3 submitters: Uncertain significance (3). Last evaluated 2026-08-22.

Conditions:
Familial thoracic aortic aneurysm and aortic dissection (TAAD). Also called: Thoracic aortic aneurysms and dissections. Identifiers: Orphanet 91387, MedGen C4707243, MONDO:0019625.
Rienhoff syndrome. Also called: LOEYS-DIETZ SYNDROME 5. Identifiers: MedGen C3810012, MONDO:0014262, OMIM 615582.

Allele frequency attached by ClinVar (database versions not stated): TOPMed below 0.00001; gnomAD 0.00001.
gnomAD v4.1: 1 of 1,614,062 alleles (0.000062%); highest among the groups gnomAD compares: African/African-American, 0.0013%; no homozygotes.

Submissions (3):

GeneDx
Classification: Uncertain significance. Last evaluated: 2026-08-22. Review status: criteria provided, single submitter. Criteria: GeneDx Variant Classification Process June 2021. Collection method: clinical testing. Allele origin: germline.
Comment: Not observed at significant frequency in large population cohorts (gnomAD); In silico analysis suggests that this missense variant does not alter protein structure/function; Has not been previously published as pathogenic or benign to our knowledge

Labcorp Genetics (formerly Invitae), Labcorp
Classification: Uncertain significance for Rienhoff syndrome. Last evaluated: 2025-06-01. Review status: criteria provided, single submitter. Criteria: Invitae Variant Classification Sherloc (09022015). Collection method: clinical testing. Allele origin: germline.
Comment: This sequence change replaces phenylalanine, which is neutral and non-polar, with isoleucine, which is neutral and non-polar, at codon 32 of the TGFB3 protein (p.Phe32Ile). This variant is not present in population databases (gnomAD no frequency). This variant has not been reported in the literature in individuals affected with TGFB3-related conditions. ClinVar contains an entry for this variant (Variation ID: 1375756). An algorithm developed to predict the effect of missense changes on protein structure and function (PolyPhen-2) suggests that this variant is likely to be tolerated. In summary, the available evidence is currently insufficient to determine the role of this variant in disease. Therefore, it has been classified as a Variant of Uncertain Significance.

Ambry Genetics
Classification: Uncertain significance for Familial thoracic aortic aneurysm and aortic dissection. Last evaluated: 2019-09-29. Review status: criteria provided, single submitter. Criteria: Ambry Variant Classification Scheme 2023. Collection method: clinical testing. Allele origin: germline.
Comment: The p.F32I variant (also known as c.94T>A), located in coding exon 1 of the TGFB3 gene, results from a T to A substitution at nucleotide position 94. The phenylalanine at codon 32 is replaced by isoleucine, an amino acid with highly similar properties. This amino acid position is not well conserved in available vertebrate species, and isoleucine is the reference amino acid in other vertebrate species. In addition, this alteration is predicted to be tolerated by in silico analysis. Since supporting evidence is limited at this time, the clinical significance of this alteration remains unclear.

NM_003239.5(TGFB3):c.94T>A (p.Phe32Ile)

Gene: TGFB3 (transforming growth factor beta 3; minus strand). Cytogenetic location: 14q24.3.
Variant type: single nucleotide variant.
Coding change: c.94T>A on transcript NM_003239.5 (MANE Select); coding-DNA position 94, T replaced by A.
Protein change: p.Phe32Ile; replaces phenylalanine 32 with isoleucine.
Molecular consequence: missense variant.
Genome position (GRCh38, 1-based): chr14:75,980,800, A>T on the plus strand (T>A on the coding strand, the complement: TGFB3 is on the minus strand). VCF-style: chr14-75980800-A-T. GRCh37 (hg19) VCF-style: chr14-76447143-A-T.
Other names: c.94T>A, p.Phe32Ile (NM_001329938.2, NM_001329939.2); short protein forms F32I.
Identifiers: ClinVar variation 1375756 (VCV001375756.9), dbSNP rs1194816649, ClinGen allele CA390471675.